The following is an entry in ClinVar:

ClinVar aggregate classification (germline): Uncertain significance (1 of 4 stars; one submission).

Submission:

Dasa
Classification: Uncertain significance. Last evaluated: 2026-06-16. Review status: criteria provided, single submitter. Criteria: DASA Assertion Criteria. Collection method: clinical testing. Allele origin: germline.
Comment: NM_032217.5(ANKRD17):c.5218G>A (p.Val1740Met) is a missense variant that results in the substitution of valine with methionine. This variant is rare in population databases. The currently available literature and clinical evidence are not sufficient to establish a definitive association between this variant and the reported condition. Therefore, this variant is classified as a variant of uncertain significance.

NM_032217.5(ANKRD17):c.5218G>A (p.Val1740Met)

Gene: ANKRD17 (ankyrin repeat domain 17; minus strand). Cytogenetic location: 4q13.3.
Variant type: single nucleotide variant.
Coding change: c.5218G>A on transcript NM_032217.5 (MANE Select); coding-DNA position 5218, G replaced by A.
Protein change: p.Val1740Met; replaces valine 1740 with methionine.
Molecular consequence: missense variant.
Genome position (GRCh38, 1-based): chr4:73,094,188, C>T on the plus strand (G>A on the coding strand, the complement: ANKRD17 is on the minus strand). VCF-style: chr4-73094188-C-T. GRCh37 (hg19) VCF-style: chr4-73959905-C-T.
Other names: c.4879G>A, p.Val1627Met (NM_001286771.3); c.5215G>A, p.Val1739Met (NM_015574.2); c.4465G>A, p.Val1489Met (NM_198889.3); short protein forms V1489M, V1627M, V1739M, V1740M.
Identifiers: ClinVar variation 5020364 (VCV005020364.1).
Genomic context (GRCh38, chr4:73,094,188, plus strand): 5'-CTATGTGTGCACCAGTAAACTCCCGAATAGCATTGATATTACAGCCTCCTCTTCCAATCA[C>T]TCTGGATATCACAGTTGATGGAACAGATACTTTCTTTGACCTGTTTAAAAGTTGTATATA-3'
Protein context (NP_115593.3, residues 1730-1750): VSVPSTVISR[Val1740Met]IGRGGCNINA